The following is an entry in ClinVar:

ClinVar aggregate classification (germline): Uncertain significance (1 of 4 stars; one submission).

Conditions:
Imerslund-Grasbeck syndrome. Also called: Megaloblastic anemia due to inborn errors of metabolism; ENTEROCYTE COBALAMIN MALABSORPTION; ENTEROCYTE INTRINSIC FACTOR RECEPTOR, DEFECT OF; PERNICIOUS ANEMIA, JUVENILE, DUE TO SELECTIVE INTESTINAL MALABSORPTION OF VITAMIN B12, WITH PROTEINURIA; Imerslund-Gräsbeck syndrome. Identifiers: Orphanet 35858, MedGen C4551825, MONDO:0009853.

gnomAD v4.1: 3 of 1,614,032 alleles (0.00019%); highest among the groups gnomAD compares: South Asian, 0.0033%; no homozygotes.

Submission:

Labcorp Genetics (formerly Invitae), Labcorp
Classification: Uncertain significance for Imerslund-Grasbeck syndrome. Last evaluated: 2025-03-24. Review status: criteria provided, single submitter. Criteria: Invitae Variant Classification Sherloc (09022015). Collection method: clinical testing. Allele origin: germline.
Comment: This sequence change replaces aspartic acid, which is acidic and polar, with asparagine, which is neutral and polar, at codon 3094 of the CUBN protein (p.Asp3094Asn). This variant is present in population databases (rs765436466, gnomAD 0.006%). This variant has not been reported in the literature in individuals affected with CUBN-related conditions. Invitae Evidence Modeling of protein sequence and biophysical properties (such as structural, functional, and spatial information, amino acid conservation, physicochemical variation, residue mobility, and thermodynamic stability) has been performed for this missense variant. However, the output from this modeling did not meet the statistical confidence thresholds required to predict the impact of this variant on CUBN protein function. In summary, the available evidence is currently insufficient to determine the role of this variant in disease. Therefore, it has been classified as a Variant of Uncertain Significance.

NM_001081.4(CUBN):c.9280G>A (p.Asp3094Asn)

Gene: CUBN (cubilin; minus strand). Cytogenetic location: 10p13.
Variant type: single nucleotide variant.
Coding change: c.9280G>A on transcript NM_001081.4 (MANE Select); coding-DNA position 9280, G replaced by A.
Protein change: p.Asp3094Asn; replaces aspartic acid 3094 with asparagine.
Molecular consequence: missense variant.
Genome position (GRCh38, 1-based): chr10:16,869,810, C>T on the plus strand (G>A on the coding strand, the complement: CUBN is on the minus strand). VCF-style: chr10-16869810-C-T. GRCh37 (hg19) VCF-style: chr10-16911809-C-T.
Other names: short protein forms D3094N.
Identifiers: ClinVar variation 4742652 (VCV004742652.1).